The following is an entry in ClinVar:

ClinVar aggregate classification (germline): Uncertain significance (1 of 4 stars; one submission).

Conditions:
Cardiovascular phenotype. Identifiers: MedGen CN230736.

Allele frequency attached by ClinVar (database versions not stated): ExAC 0.00001.

Submission:

Ambry Genetics
Classification: Uncertain significance for Cardiovascular phenotype. Last evaluated: 2020-03-17. Review status: criteria provided, single submitter. Criteria: Ambry Variant Classification Scheme 2023. Collection method: clinical testing. Allele origin: germline.
Comment: The p.T15467P variant (also known as c.46399A>C), located in coding exon 153 of the TTN gene, results from an A to C substitution at nucleotide position 46399. The threonine at codon 15467 is replaced by proline, an amino acid with highly similar properties. This amino acid position is highly conserved in available vertebrate species. In addition, this alteration is predicted to be tolerated by in silico analysis. Since supporting evidence is limited at this time, the clinical significance of this alteration remains unclear.

NM_001267550.2(TTN):c.73594A>C (p.Thr24532Pro)

Genes: TTN (titin; minus strand), TTN-AS1 (TTN antisense RNA 1; plus strand). Cytogenetic location: 2q31.2.
Variant type: single nucleotide variant.
Coding change: c.73594A>C on transcript NM_001267550.2 (MANE Select); coding-DNA position 73594, A replaced by C.
Protein change: p.Thr24532Pro; replaces threonine 24532 with proline.
Molecular consequence: missense variant.
Genome position (GRCh38, 1-based): chr2:178,572,538, T>G on the plus strand (A>C on the coding strand, the complement: TTN is on the minus strand). VCF-style: chr2-178572538-T-G. GRCh37 (hg19) VCF-style: chr2-179437265-T-G.
Other names: c.68671A>C, p.Thr22891Pro (NM_001256850.1); c.46399A>C, p.Thr15467Pro (NM_003319.4); c.65890A>C, p.Thr21964Pro (NM_133378.4); c.46774A>C, p.Thr15592Pro (NM_133432.3); c.46975A>C, p.Thr15659Pro (NM_133437.4); short protein forms T15659P, T24532P, T15467P, T15592P, T21964P, T22891P.
Identifiers: ClinVar variation 1742077 (VCV001742077.2), dbSNP rs752664615, ClinGen allele CA1990347.